The following is an entry in ClinVar:

ClinVar aggregate classification (germline): Uncertain significance. Review status: criteria provided, multiple submitters, no conflicts (2 of 4 stars). 2 submissions from 2 submitters: Uncertain significance (2). Last evaluated 2024-11-14.

Conditions:
POLD1-related polyposis and colorectal cancer syndrome (CRCS10). Also called: Colorectal cancer, susceptibility to, 10; Colorectal cancer 10; COLORECTAL CANCER, SUSCEPTIBILITY TO, ON CHROMOSOME 19q. Identifiers: Orphanet 220460, MedGen C2675481, MONDO:0012953, OMIM 612591.
Hereditary cancer-predisposing syndrome. Also called: Hereditary Cancer Syndrome; Hereditary neoplastic syndrome; Neoplastic Syndromes, Hereditary; Tumor predisposition. Identifiers: Orphanet 140162, MedGen C0027672, MeSH D009386, MONDO:0015356.

Allele frequency attached by ClinVar (database versions not stated): gnomAD exomes below 0.00001.

Submissions (2):

Ambry Genetics
Classification: Uncertain significance for Hereditary cancer-predisposing syndrome. Last evaluated: 2024-11-14. Review status: criteria provided, single submitter. Criteria: Ambry Variant Classification Scheme 2023. Collection method: clinical testing. Allele origin: germline.
Comment: The p.P404S variant (also known as c.1210C>T), located in coding exon 9 of the POLD1 gene, results from a C to T substitution at nucleotide position 1210. The proline at codon 404 is replaced by serine, an amino acid with similar properties. This amino acid position is highly conserved in available vertebrate species. In addition, the in silico prediction for this alteration is inconclusive. Based on the available evidence, the clinical significance of this variant remains unclear.

Labcorp Genetics (formerly Invitae), Labcorp
Classification: Uncertain significance for POLD1-related polyposis and colorectal cancer syndrome. Last evaluated: 2023-10-27. Review status: criteria provided, single submitter. Criteria: Invitae Variant Classification Sherloc (09022015). Collection method: clinical testing. Allele origin: germline.
Comment: This sequence change replaces proline, which is neutral and non-polar, with serine, which is neutral and polar, at codon 404 of the POLD1 protein (p.Pro404Ser). This variant is not present in population databases (gnomAD no frequency). This variant has not been reported in the literature in individuals affected with POLD1-related conditions. ClinVar contains an entry for this variant (Variation ID: 818596). Advanced modeling of protein sequence and biophysical properties (such as structural, functional, and spatial information, amino acid conservation, physicochemical variation, residue mobility, and thermodynamic stability) performed at Invitae indicates that this missense variant is not expected to disrupt POLD1 protein function with a negative predictive value of 80%. In summary, the available evidence is currently insufficient to determine the role of this variant in disease. Therefore, it has been classified as a Variant of Uncertain Significance.

NM_002691.4(POLD1):c.1210C>T (p.Pro404Ser)

Gene: POLD1 (DNA polymerase delta 1, catalytic subunit; plus strand). Cytogenetic location: 19q13.33.
Variant type: single nucleotide variant.
Coding change: c.1210C>T on transcript NM_002691.4 (MANE Select); coding-DNA position 1210, C replaced by T.
Protein change: p.Pro404Ser; replaces proline 404 with serine.
Molecular consequence: missense variant. On other transcripts: non-coding transcript variant (1).
Genome position (GRCh38, 1-based): chr19:50,403,565, C>T. VCF-style: chr19-50403565-C-T. GRCh37 (hg19) VCF-style: chr19-50906822-C-T.
Other names: c.1210C>T, p.Pro404Ser (NM_001256849.1, NM_001308632.1); short protein forms P404S.
Identifiers: ClinVar variation 818596 (VCV000818596.8), dbSNP rs1601206330, ClinGen allele CA406978586.
Genomic context (GRCh38, chr19:50,403,565, plus strand): 5'-TTCATCCGTATCATGGACCCCGACGTGATCACCGGTTACAACATCCAGAACTTCGACCTT[C>T]CGTACCTCATCTCTCGGGCCCAGACCCTCAAGGTGAGGGCTGGGCAGGTGGGAGGCTTCT-3'
Protein context (NP_002682.2, residues 394-414): TGYNIQNFDL[Pro404Ser]YLISRAQTLK